The following is an entry in ClinVar:

NM_000204.5(CFI):c.884-7T>C

Gene: CFI (complement factor I; minus strand). Cytogenetic location: 4q25.
Variant type: single nucleotide variant.
Coding change: c.884-7T>C on transcript NM_000204.5 (MANE Select); 7 bases into the intron before coding-DNA position 884, T replaced by C.
Molecular consequence: intron variant.
Genome position (GRCh38, 1-based): chr4:109,757,790, A>G on the plus strand (T>C on the coding strand, the complement: CFI is on the minus strand). VCF-style: chr4-109757790-A-G. GRCh37 (hg19) VCF-style: chr4-110678946-A-G.
Other names: p.?; c.883+2480T>C (NM_001375282.1, NM_001375280.1, NM_001375283.1 and 1 more transcripts); c.884-7T>C (NM_001375281.1, NM_001375279.1); c.908-7T>C (NM_001375278.1, NM_001318057.2); c.275-7T>C (NM_001375284.1).
Identifiers: ClinVar variation 347165 (VCV000347165.21), dbSNP rs140555685, ClinGen allele CA3042110.

ClinVar aggregate classification (germline): Benign/Likely benign. Review status: criteria provided, multiple submitters, no conflicts (2 of 4 stars). 9 submissions from 9 submitters: Benign (8); Likely benign (1). Last evaluated 2026-02-02.

Conditions:
Atypical hemolytic-uremic syndrome with I factor anomaly. Also called: HEMOLYTIC UREMIC SYNDROME, ATYPICAL, SUSCEPTIBILITY TO, 3; AHUS, SUSCEPTIBILITY TO, 3. Identifiers: Orphanet 2134, MedGen C2752039, MONDO:0013041, OMIM 612923.
CFI-related disorder. Also called: CFI-related disorders; CFI-related condition. Identifiers: MedGen CN239325.
Atypical hemolytic-uremic syndrome. Identifiers: Orphanet 2134, MedGen C2931788, MONDO:0016244.

Allele frequency attached by ClinVar (database versions not stated): gnomAD exomes 0.00683 and 0.03020; gnomAD 0.01504 and 0.01559; ExAC 0.02307; TOPMed 0.02510; 1000 Genomes Project 0.02556; 1000 Genomes Project 30x 0.02795.
gnomAD v4.1: 11,046 of 1,443,382 alleles (0.77%); highest among the groups gnomAD compares: Admixed American, 17%; 998 homozygotes.

Submissions (9):

Labcorp Genetics (formerly Invitae), Labcorp
Classification: Benign. Last evaluated: 2026-02-02. Review status: criteria provided, single submitter. Criteria: Invitae Variant Classification Sherloc (09022015). Collection method: clinical testing. Allele origin: germline.

Women's Health and Genetics/Laboratory Corporation of America, LabCorp
Classification: Benign. Last evaluated: 2026-01-21. Review status: criteria provided, single submitter. Criteria: LabCorp Variant Classification Summary - May 2015. Collection method: clinical testing. Allele origin: germline.

Genomenon, Inc
Classification: Benign for CFI-related disorder. Last evaluated: 2025-09-26. Review status: criteria provided, single submitter. Criteria: Genomenon Sequence Variant Interpretation Standards - Updated. Collection method: curation. Allele origin: germline. Affected: no.
Comment: CFI c.884-7T>C is an intronic variant located in intron 6. This variant is present at high allele frequency in population databases. In conclusion, we classify CFI c.884-7T>C as a benign variant.

Blueprint Genetics
Classification: Likely benign. Last evaluated: 2024-11-25. Review status: criteria provided, single submitter. Criteria: ACMG Guidelines, 2015. Collection method: clinical testing. Allele origin: germline.

Mayo Clinic Laboratories, Mayo Clinic
Classification: Benign. Last evaluated: 2024-04-22. Review status: criteria provided, single submitter. Criteria: ACMG Guidelines, 2015. Collection method: clinical testing. Allele origin: germline. Observed: 125 variant alleles.
Comment: BA1, BS2, BP4, BP7

Genome Diagnostics Laboratory, The Hospital for Sick Children
Classification: Benign for Atypical hemolytic-uremic syndrome. Last evaluated: 2021-12-10. Review status: criteria provided, single submitter. Criteria: ACMG Guidelines, 2015. Collection method: clinical testing. Allele origin: germline.

GeneDx
Classification: Benign. Last evaluated: 2021-06-09. Review status: criteria provided, single submitter. Criteria: GeneDx Variant Classification Process June 2021. Collection method: clinical testing. Allele origin: germline. Affected: yes.

Illumina Laboratory Services, Illumina
Classification: Benign for Atypical hemolytic-uremic syndrome with I factor anomaly. Last evaluated: 2018-01-13. Review status: criteria provided, single submitter. Criteria: ICSL Variant Classification Criteria 13 December 2019. Collection method: clinical testing. Allele origin: germline.
Comment: This variant was observed in the ICSL laboratory as part of a predisposition screen in an ostensibly healthy population. It had not been previously curated by ICSL or reported in the Human Gene Mutation Database (HGMD: prior to June 1st, 2018), and was therefore a candidate for classification through an automated scoring system. Utilizing variant allele frequency, disease prevalence and penetrance estimates, and inheritance mode, an automated score was calculated to assess if this variant is too frequent to cause the disease. Based on the score and internal cut-off values, a variant classified as benign is not then subjected to further curation. The score for this variant resulted in a classification of benign for this disease.

Breakthrough Genomics
Classification: Benign. Review status: criteria provided, single submitter. Criteria: ACMG Guidelines, 2015. Collection method: not provided. Allele origin: germline. Inheritance: Autosomal recessive inheritance. Affected: yes.

Literature cited by the submitters: PubMed 23431077 (cited by Mayo Clinic Laboratories, Mayo Clinic).